The following is an entry in ClinVar:

ClinVar aggregate classification (germline): Uncertain significance. Review status: criteria provided, multiple submitters, no conflicts (2 of 4 stars). 3 submissions from 3 submitters: Uncertain significance (3). Last evaluated 2025-07-17.

Conditions:
Malignant hyperthermia, susceptibility to, 1 (MHS1). Also called: Anesthesia related hyperthermia; Malignant hyperpyrexia; Fulminating hyperpyrexia; Pharmacogenic myopathy; Malignant hyperthermia suceptibility 1; RYR1-Related Malignant Hyperthermia Susceptibility. Identifiers: Orphanet 423, MedGen C2930980, MONDO:0007783, OMIM 145600.
RYR1-related disorder. Also called: RYR1-related disorders; RYR1-related condition. Identifiers: MedGen CN239331.

Allele frequency attached by ClinVar (database versions not stated): gnomAD 0.00001; gnomAD exomes 0.00001.
gnomAD v4.1: 4 of 1,614,022 alleles (0.00025%); highest among the groups gnomAD compares: Non-Finnish European, 0.00034%; no homozygotes.

Submissions (3):

Color Diagnostics, LLC DBA Color Health
Classification: Uncertain significance for Malignant hyperthermia, susceptibility to, 1. Last evaluated: 2025-07-17. Review status: criteria provided, single submitter. Criteria: ACMG Guidelines, 2015. Collection method: clinical testing. Allele origin: germline.
Comment: This missense variant replaces serine with cysteine at codon 4610 of the RYR1 protein. Computational prediction suggests that this variant may not impact protein structure and function. To our knowledge, functional studies have not been reported for this variant. This variant has not been reported in individuals affected with RYR1-related disorders in the literature. This variant has been identified in 2/282810 chromosomes in the general population by the Genome Aggregation Database (gnomAD). The available evidence is insufficient to determine the role of this variant in disease conclusively. Therefore, this variant is classified as a Variant of Uncertain Significance.

Labcorp Genetics (formerly Invitae), Labcorp
Classification: Uncertain significance for RYR1-related disorder. Last evaluated: 2024-05-04. Review status: criteria provided, single submitter. Criteria: Invitae Variant Classification Sherloc (09022015). Collection method: clinical testing. Allele origin: germline.
Comment: This sequence change replaces serine, which is neutral and polar, with cysteine, which is neutral and slightly polar, at codon 4610 of the RYR1 protein (p.Ser4610Cys). This variant is present in population databases (no rsID available, gnomAD 0.002%). This variant has not been reported in the literature in individuals affected with RYR1-related conditions. ClinVar contains an entry for this variant (Variation ID: 2435549). Advanced modeling of protein sequence and biophysical properties (such as structural, functional, and spatial information, amino acid conservation, physicochemical variation, residue mobility, and thermodynamic stability) has been performed at Invitae for this missense variant, however the output from this modeling did not meet the statistical confidence thresholds required to predict the impact of this variant on RYR1 protein function. In summary, the available evidence is currently insufficient to determine the role of this variant in disease. Therefore, it has been classified as a Variant of Uncertain Significance.

Revvity Omics, Revvity
Classification: Uncertain significance. Last evaluated: 2019-04-17. Review status: criteria provided, single submitter. Criteria: ACMG Guidelines, 2015. Collection method: clinical testing. Allele origin: germline.

NM_000540.3(RYR1):c.13829C>G (p.Ser4610Cys)

Gene: RYR1 (ryanodine receptor 1; plus strand). Cytogenetic location: 19q13.2.
Variant type: single nucleotide variant.
Coding change: c.13829C>G on transcript NM_000540.3 (MANE Select); coding-DNA position 13829, C replaced by G.
Protein change: p.Ser4610Cys; replaces serine 4610 with cysteine.
Molecular consequence: missense variant.
Genome position (GRCh38, 1-based): chr19:38,572,101, C>G. VCF-style: chr19-38572101-C-G. GRCh37 (hg19) VCF-style: chr19-39062741-C-G.
Other names: c.13814C>G, p.Ser4605Cys (NM_001042723.2); short protein forms S4605C, S4610C.
Identifiers: ClinVar variation 2435549 (VCV002435549.6), dbSNP rs1308486562, ClinGen allele CA405680508.
Genomic context (GRCh38, chr19:38,572,101, plus strand): 5'-AGGACGACATGGAAGGCTCAGCTGCTGGGGATGTGTCAGGTGCAGGCTCTGGTGGCAGCT[C>G]TGGCTGGGGCTTGGGGGCCGGAGAGGAGGCAGAGGGCGATGAGGATGAGAACATGGTGTA-3'
Protein context (NP_000531.2, residues 4600-4620): DVSGAGSGGS[Ser4610Cys]GWGLGAGEEA